The following is an entry in ClinVar:

NM_004815.4(ARHGAP29):c.2844A>C (p.Thr948=)

Gene: ARHGAP29 (Rho GTPase activating protein 29; minus strand). Cytogenetic location: 1p22.1.
Variant type: single nucleotide variant.
Coding change: c.2844A>C on transcript NM_004815.4 (MANE Select); coding-DNA position 2844, A replaced by C.
Protein change: p.Thr948=; no amino-acid change (threonine 948 retained).
Molecular consequence: synonymous variant.
Genome position (GRCh38, 1-based): chr1:94,177,673, T>G on the plus strand (A>C on the coding strand, the complement: ARHGAP29 is on the minus strand). VCF-style: chr1-94177673-T-G. GRCh37 (hg19) VCF-style: chr1-94643229-T-G.
Other names: c.2844A>C, p.Thr948= (NM_001328664.2); c.2652A>C, p.Thr884= (NM_001328665.2, NM_001328667.2); c.2817A>C, p.Thr939= (NM_001328666.2).
Identifiers: ClinVar variation 3045862 (VCV003045862.3), dbSNP rs61758881, ClinGen allele CA959192.

ClinVar aggregate classification (germline): Likely benign. Review status: criteria provided, single submitter (1 of 4 stars). 2 submissions from 2 submitters: Likely benign (1). 1 of the submissions does not count toward it. Last evaluated 2024-11-19.

Conditions:
ARHGAP29-related disorder. Also called: ARHGAP29-related condition; ARHGAP29-Related Disorders.

Allele frequency attached by ClinVar (database versions not stated): 1000 Genomes Project 0.00020; 1000 Genomes Project 30x 0.00031; ESP Exome Variant Server 0.00062; ExAC 0.00070; gnomAD 0.00074.
gnomAD v4.1: 1,653 of 1,613,702 alleles (0.1%); highest among the groups gnomAD compares: South Asian, 0.16%; 2 homozygotes.

Submissions (2):

Blueprint Genetics
Classification: Likely benign. Last evaluated: 2024-11-19. Review status: criteria provided, single submitter. Criteria: ACMG Guidelines, 2015. Collection method: clinical testing. Allele origin: germline.

PreventionGenetics, part of Exact Sciences
Classification: Likely benign for ARHGAP29-related condition. Last evaluated: 2019-10-28. Review status: no assertion criteria provided. Collection method: clinical testing. Allele origin: germline. Not counted in ClinVar's aggregate classification.
Comment: This variant is classified as likely benign based on ACMG/AMP sequence variant interpretation guidelines (Richards et al. 2015 PMID: 25741868, with internal and published modifications).